The following is an entry in ClinVar:

ClinVar aggregate classification (germline): Conflicting classifications of pathogenicity. Review status: criteria provided, conflicting classifications (1 of 4 stars). 5 submissions from 5 submitters: Uncertain significance (3); Likely benign (1). 1 of the submissions does not count toward it. Last evaluated 2026-09-17.

Conditions:
Inborn genetic diseases. Identifiers: MedGen C0950123, MeSH D030342.
Hypotrichosis 6 (HYPT6). Also called: MONILETHRIX-LIKE HYPOTRICHOSIS; HYPOTRICHOSIS, LOCALIZED, AUTOSOMAL RECESSIVE 1. Identifiers: Orphanet 55654, MedGen C1842839, MONDO:0011932, OMIM 607903.
DSG4-related disorder. Also called: DSG4-related condition.

Allele frequency attached by ClinVar (database versions not stated): gnomAD 0.00203 and 0.00187; TOPMed 0.00216; 1000 Genomes Project 30x 0.00219; gnomAD exomes 0.00020 and 0.00056; ExAC 0.00066; 1000 Genomes Project 0.00180; ESP Exome Variant Server 0.00200.
gnomAD v4.1: 595 of 1,614,112 alleles (0.037%); highest among the groups gnomAD compares: African/African-American, 0.62%; 2 homozygotes.

Submissions (5):

GeneDx
Classification: Uncertain significance. Last evaluated: 2026-09-17. Review status: criteria provided, single submitter. Criteria: GeneDx Variant Classification Process June 2021. Collection method: clinical testing. Allele origin: germline.
Comment: In silico analysis supports that this missense variant has a deleterious effect on protein structure/function; Has not been previously published as pathogenic or benign to our knowledge

Labcorp Genetics (formerly Invitae), Labcorp
Classification: Likely benign. Last evaluated: 2025-07-23. Review status: criteria provided, single submitter. Criteria: Invitae Variant Classification Sherloc (09022015). Collection method: clinical testing. Allele origin: germline.

Ambry Genetics
Classification: Uncertain significance for Inborn genetic diseases. Last evaluated: 2024-05-02. Review status: criteria provided, single submitter. Criteria: Ambry Variant Classification Scheme 2023. Collection method: clinical testing. Allele origin: germline.

Illumina Laboratory Services, Illumina
Classification: Uncertain significance for Hypotrichosis 6. Last evaluated: 2018-01-12. Review status: criteria provided, single submitter. Criteria: ICSL Variant Classification Criteria 13 December 2019. Collection method: clinical testing. Allele origin: germline.

PreventionGenetics, part of Exact Sciences
Classification: Likely benign for DSG4-related condition. Last evaluated: 2019-10-23. Review status: no assertion criteria provided. Collection method: clinical testing. Allele origin: germline. Not counted in ClinVar's aggregate classification.
Comment: This variant is classified as likely benign based on ACMG/AMP sequence variant interpretation guidelines (Richards et al. 2015 PMID: 25741868, with internal and published modifications).

NM_177986.5(DSG4):c.2366C>T (p.Ala789Val)

Genes: DSG1-AS1 (DSG1 antisense RNA 1; minus strand), DSG4 (desmoglein 4; plus strand). Cytogenetic location: 18q12.1.
Variant type: single nucleotide variant.
Coding change: c.2366C>T on transcript NM_177986.5 (MANE Select); coding-DNA position 2366, C replaced by T.
Protein change: p.Ala789Val; replaces alanine 789 with valine.
Molecular consequence: missense variant.
Genome position (GRCh38, 1-based): chr18:31,412,838, C>T. VCF-style: chr18-31412838-C-T. GRCh37 (hg19) VCF-style: chr18-28992801-C-T.
Other names: c.2423C>T, p.Ala808Val (NM_001134453.3); short protein forms A808V, A789V.
Identifiers: ClinVar variation 710123 (VCV000710123.21), dbSNP rs144490546, ClinGen allele CA8927327.